The following is an entry in ClinVar:

ClinVar aggregate classification (germline): Uncertain significance (1 of 4 stars; one submission).

Allele frequency attached by ClinVar (database versions not stated): gnomAD exomes below 0.00001.
gnomAD v4.1: 2 of 1,289,928 alleles (0.00016%); highest among the groups gnomAD compares: Non-Finnish European, 0.0002%; no homozygotes.

Submission:

GeneDx
Classification: Uncertain significance. Last evaluated: 2019-12-31. Review status: criteria provided, single submitter. Criteria: GeneDx Variant Classification Process June 2021. Collection method: clinical testing. Allele origin: germline. Affected: yes.
Comment: Has not been previously published as pathogenic or benign to our knowledge; Not observed in large population cohorts (Lek et al., 2016); In silico analysis, which includes protein predictors and evolutionary conservation, supports that this variant does not alter protein structure/function

NM_003036.4(SKI):c.13G>A (p.Ala5Thr)

Gene: SKI (SKI proto-oncogene; plus strand). Cytogenetic location: 1p36.33.
Variant type: single nucleotide variant.
Coding change: c.13G>A on transcript NM_003036.4 (MANE Select); coding-DNA position 13, G replaced by A.
Protein change: p.Ala5Thr; replaces alanine 5 with threonine.
Molecular consequence: missense variant.
Genome position (GRCh38, 1-based): chr1:2,228,779, G>A. VCF-style: chr1-2228779-G-A. GRCh37 (hg19) VCF-style: chr1-2160218-G-A.
Other names: short protein forms A5T.
Identifiers: ClinVar variation 1215966 (VCV001215966.3), dbSNP rs2100789382, ClinGen allele CA337951880.